The following is an entry in ClinVar:

ClinVar aggregate classification (germline): Uncertain significance (1 of 4 stars; one submission).

Conditions:
Chuvash polycythemia. Also called: POLYCYTHEMIA, VHL-DEPENDENT. Identifiers: Orphanet 238557, MedGen C1837915, MONDO:0009892, OMIM 263400.
Von Hippel-Lindau syndrome (VHLS). Also called: VHL syndrome; Von Hippel-Lindau; von Hippel–Lindau syndrome. Identifiers: Orphanet 892, MedGen C0019562, MONDO:0008667, OMIM 193300. Disease mechanism: loss of function.

Allele frequency attached by ClinVar (database versions not stated): gnomAD 0.00001.
gnomAD v4.1: 1 of 155,496 alleles (0.00064%); highest among the groups gnomAD compares: African/African-American, 0.0024%; no homozygotes.

Submission:

Labcorp Genetics (formerly Invitae), Labcorp
Classification: Uncertain significance for Von Hippel-Lindau syndrome; Chuvash polycythemia. Last evaluated: 2021-08-31. Review status: criteria provided, single submitter. Criteria: Invitae Variant Classification Sherloc (09022015). Collection method: clinical testing. Allele origin: germline.
Comment: This sequence change falls in intron 1 of the VHL gene. It is not expected to change the encoded amino acid sequence of the VHL protein. However, this sequence change falls within a cryptic exon in the VHL gene, known as exon E1’, which is naturally expressed at low levels in several human tissues (PMID: 29891534). In summary, the available evidence is currently insufficient to determine the role of this variant in disease. Therefore, it has been classified as a Variant of Uncertain Significance. Experimental studies and prediction algorithms are not available or were not evaluated, and the functional significance of this variant is currently unknown. This variant has not been reported in the literature in individuals affected with VHL-related conditions. The frequency data for this variant in the population databases is considered unreliable, as metrics indicate insufficient coverage at this position in the ExAC database.

Literature cited by the submitters: PubMed 29891534.

NM_000551.4(VHL):c.340+581A>G

Genes: VHL (von Hippel-Lindau tumor suppressor; plus strand), LOC107303340 (3p25 von Hippel-Lindau tumor suppressor, E3 ubiquitin protein ligase Alu-mediated recombination region; plus strand). Cytogenetic location: 3p25.3.
Variant type: single nucleotide variant.
Coding change: c.340+581A>G on transcript NM_000551.4 (MANE Select); 581 bases into the intron after coding-DNA position 340, A replaced by G.
Molecular consequence: intron variant. On other transcripts: missense variant (1).
Genome position (GRCh38, 1-based): chr3:10,142,768, A>G. VCF-style: chr3-10142768-A-G. GRCh37 (hg19) VCF-style: chr3-10184452-A-G.
Other names: c.346A>G, p.Met116Val (NM_001354723.2); c.340+581A>G (NM_198156.3); short protein forms M116V.
Identifiers: ClinVar variation 999884 (VCV000999884.9), dbSNP rs968298760, ClinGen allele CA70046652.